The following is an entry in ClinVar:

ClinVar aggregate classification (germline): Uncertain significance (1 of 4 stars; one submission).

Allele frequency attached by ClinVar (database versions not stated): gnomAD exomes below 0.00001; TOPMed below 0.00001; ExAC 0.00001.
gnomAD v4.1: 2 of 1,611,170 alleles (0.00012%); highest among the groups gnomAD compares: Admixed American, 0.0017%; no homozygotes.

Submission:

Labcorp Genetics (formerly Invitae), Labcorp
Classification: Uncertain significance. Last evaluated: 2022-07-12. Review status: criteria provided, single submitter. Criteria: Invitae Variant Classification Sherloc (09022015). Collection method: clinical testing. Allele origin: germline.
Comment: In summary, the available evidence is currently insufficient to determine the role of this variant in disease. Therefore, it has been classified as a Variant of Uncertain Significance. Variants that disrupt the consensus splice site are a relatively common cause of aberrant splicing (PMID: 17576681, 9536098). Algorithms developed to predict the effect of sequence changes on RNA splicing suggest that this variant is not likely to affect RNA splicing. This variant has not been reported in the literature in individuals affected with HMCN1-related conditions. This variant is present in population databases (rs781257378, gnomAD 0.003%). This sequence change falls in intron 94 of the HMCN1 gene. It does not directly change the encoded amino acid sequence of the HMCN1 protein. It affects a nucleotide within the consensus splice site.

Literature cited by the submitters: PubMed 17576681; PubMed 9536098.

NM_031935.3(HMCN1):c.14759-3T>C

Gene: HMCN1 (hemicentin 1; plus strand). Cytogenetic location: 1q31.1.
Variant type: single nucleotide variant.
Coding change: c.14759-3T>C on transcript NM_031935.3 (MANE Select); 3 bases into the intron before coding-DNA position 14759, T replaced by C.
Molecular consequence: intron variant.
Genome position (GRCh38, 1-based): chr1:186,151,603, T>C. VCF-style: chr1-186151603-T-C. GRCh37 (hg19) VCF-style: chr1-186120735-T-C.
Identifiers: ClinVar variation 2037366 (VCV002037366.4), dbSNP rs781257378, ClinGen allele CA1295066.